The following is an entry in ClinVar:

NM_001848.3(COL6A1):c.1270C>T (p.Arg424Trp)

Gene: COL6A1 (collagen type VI alpha 1 chain; plus strand). Cytogenetic location: 21q22.3.
Variant type: single nucleotide variant.
Coding change: c.1270C>T on transcript NM_001848.3 (MANE Select); coding-DNA position 1270, C replaced by T.
Protein change: p.Arg424Trp; replaces arginine 424 with tryptophan.
Molecular consequence: missense variant.
Genome position (GRCh38, 1-based): chr21:45,992,396, C>T. VCF-style: chr21-45992396-C-T. GRCh37 (hg19) VCF-style: chr21-47412310-C-T.
Other names: short protein forms R424W.
Identifiers: ClinVar variation 1306689 (VCV001306689.42), dbSNP rs1034465336, ClinGen allele CA321967013.

ClinVar aggregate classification (germline): Uncertain significance. Review status: criteria provided, multiple submitters, no conflicts (2 of 4 stars). 5 submissions from 5 submitters: Uncertain significance (5). Last evaluated 2026-08-06.

Conditions:
Inborn genetic diseases. Identifiers: MedGen C0950123, MeSH D030342.
Bethlem myopathy 1A. Also called: MYOPATHY, BENIGN CONGENITAL, WITH CONTRACTURES; Bethlem myopathy 1; Bethlem Muscular Dystrophy. Identifiers: Orphanet 610, MedGen CN029274, MONDO:0024530, OMIM 158810.

Allele frequency attached by ClinVar (database versions not stated): gnomAD 0.00001; gnomAD exomes 0.00001; TOPMed 0.00001.
gnomAD v4.1: 18 of 1,612,974 alleles (0.0011%); highest among the groups gnomAD compares: East Asian, 0.0022%; no homozygotes.

Submissions (5):

OLLIN Analises Genomicas, OLLIN
Classification: Uncertain significance for Bethlem myopathy 1A. Last evaluated: 2026-08-06. Review status: criteria provided, single submitter. Criteria: ACMG Guidelines 2015 PMID 25741868. Collection method: clinical testing. Allele origin: germline. Inheritance: Autosomal dominant inheritance.
Comment: This missense variant, located in exon 18 (of 35), has been reported in ClinVar (accession VCV001306689.40) and in gnomAD with an allele frequency of 0.0011%. However, to our knowledge, it has not been reported in the scientific literature. In silico analysis predicts that this variant has a deleterious effect. According to the currently available evidence, this variant has been classified as uncertain significance (PM2_P, PP3).

Ambry Genetics
Classification: Uncertain significance for Inborn genetic diseases. Last evaluated: 2025-07-15. Review status: criteria provided, single submitter. Criteria: Ambry Variant Classification Scheme 2023. Collection method: clinical testing. Allele origin: germline.

Labcorp Genetics (formerly Invitae), Labcorp
Classification: Uncertain significance for Bethlem myopathy 1A. Last evaluated: 2023-11-27. Review status: criteria provided, single submitter. Criteria: Invitae Variant Classification Sherloc (09022015). Collection method: clinical testing. Allele origin: germline.
Comment: This sequence change replaces arginine, which is basic and polar, with tryptophan, which is neutral and slightly polar, at codon 424 of the COL6A1 protein (p.Arg424Trp). This variant is not present in population databases (gnomAD no frequency). This variant has not been reported in the literature in individuals affected with COL6A1-related conditions. ClinVar contains an entry for this variant (Variation ID: 1306689). Experimental studies and prediction algorithms are not available or were not evaluated, and the functional significance of this variant is currently unknown. Algorithms developed to predict the effect of sequence changes on RNA splicing suggest that this variant may disrupt the consensus splice site. In summary, the available evidence is currently insufficient to determine the role of this variant in disease. Therefore, it has been classified as a Variant of Uncertain Significance.

CeGaT Center for Human Genetics Tuebingen
Classification: Uncertain significance. Last evaluated: 2022-03-01. Review status: criteria provided, single submitter. Criteria: CeGaT Center For Human Genetics Tuebingen Variant Classification Criteria Version 2. Collection method: clinical testing. Allele origin: germline. Affected: yes. Observed: 1 variant allele.
Comment: COL6A1: PM2:Supporting, PP3, PS2:Supporting

GeneDx
Classification: Uncertain significance. Last evaluated: 2019-07-01. Review status: criteria provided, single submitter. Criteria: GeneDx Variant Classification Process June 2021. Collection method: clinical testing. Allele origin: germline. Affected: yes.
Comment: Has not been previously published as pathogenic or benign to our knowledge; Not observed in large population cohorts (Lek et al., 2016); In silico analysis, which includes protein predictors and evolutionary conservation, supports a deleterious effect